The following is an entry in ClinVar:

NM_020297.4(ABCC9):c.867G>A (p.Met289Ile)

Gene: ABCC9 (ATP binding cassette subfamily C member 9; minus strand). Cytogenetic location: 12p12.1.
Variant type: single nucleotide variant.
Coding change: c.867G>A on transcript NM_020297.4 (MANE Select); coding-DNA position 867, G replaced by A.
Protein change: p.Met289Ile; replaces methionine 289 with isoleucine.
Molecular consequence: missense variant. On other transcripts: initiator codon variant (1).
Genome position (GRCh38, 1-based): chr12:21,913,016, C>T on the plus strand (G>A on the coding strand, the complement: ABCC9 is on the minus strand). VCF-style: chr12-21913016-C-T. GRCh37 (hg19) VCF-style: chr12-22065950-C-T.
Other names: c.867G>A, p.Met289Ile (NM_001377273.1, NM_005691.4); c.3G>A, p.Met1Ile (NM_001377274.1); short protein forms M289I, M1I.
Identifiers: ClinVar variation 1384448 (VCV001384448.6), dbSNP rs757665666, ClinGen allele CA6481781.
Genomic context (GRCh38, chr12:21,913,016, plus strand): 5'-TAAATCAGCCAGATAGCGGAATGTGCTACTAAGTAGAATTGGTCGCCCAAAAGCTCTGTA[C>T]ATTGCAAGCCATATAGATGGAGTCCGATTTGGATGATCTGCAACTTTTTTCTGAAGAAAA-3'
Protein context (NP_064693.2, residues 279-299): PNRTPSIWLA[Met289Ile]YRAFGRPILL

ClinVar aggregate classification (germline): Uncertain significance (1 of 4 stars; one submission).

Conditions:
Dilated cardiomyopathy 1O (CMD1O). Also called: CARDIOMYOPATHY, DILATED, WITH VENTRICULAR TACHYCARDIA. Identifiers: Orphanet 154, MedGen C1837839, MONDO:0012062, OMIM 608569.

Allele frequency attached by ClinVar (database versions not stated): gnomAD exomes below 0.00001; ExAC 0.00001.
gnomAD v4.1: 1 of 1,610,246 alleles (0.000062%); highest among the groups gnomAD compares: Non-Finnish European, 0.000085%; no homozygotes.

Submission:

Labcorp Genetics (formerly Invitae), Labcorp
Classification: Uncertain significance for Dilated cardiomyopathy 1O. Last evaluated: 2021-10-04. Review status: criteria provided, single submitter. Criteria: Invitae Variant Classification Sherloc (09022015). Collection method: clinical testing. Allele origin: germline.
Comment: In summary, the available evidence is currently insufficient to determine the role of this variant in disease. Therefore, it has been classified as a Variant of Uncertain Significance. Algorithms developed to predict the effect of missense changes on protein structure and function (SIFT, PolyPhen-2, Align-GVGD) all suggest that this variant is likely to be tolerated. This variant has not been reported in the literature in individuals affected with ABCC9-related conditions. This variant is present in population databases (rs757665666, ExAC 0.002%). This sequence change replaces methionine with isoleucine at codon 289 of the ABCC9 protein (p.Met289Ile). The methionine residue is moderately conserved and there is a small physicochemical difference between methionine and isoleucine.